The following is an entry in ClinVar:

ClinVar aggregate classification (germline): Conflicting classifications of pathogenicity. Review status: criteria provided, conflicting classifications (1 of 4 stars). 7 submissions from 7 submitters: Uncertain significance (6); Likely benign (1). Last evaluated 2025-03-30.

Conditions:
Pitt-Hopkins-like syndrome 2 (PTHSL2). Identifiers: Orphanet 221150, Orphanet 600663, MedGen C3280479, MONDO:0013690, OMIM 614325.
NRXN1-related disorder.
Inborn genetic diseases. Identifiers: MedGen C0950123, MeSH D030342.

Allele frequency attached by ClinVar (database versions not stated): gnomAD 0.00007; gnomAD exomes 0.00008 and 0.00016; TOPMed 0.00008; ExAC 0.00009.
gnomAD v4.1: 235 of 1,613,092 alleles (0.015%); highest among the groups gnomAD compares: Non-Finnish European, 0.019%; no homozygotes.

Submissions (7):

Labcorp Genetics (formerly Invitae), Labcorp
Classification: Uncertain significance for Pitt-Hopkins-like syndrome 2. Last evaluated: 2025-03-30. Review status: criteria provided, single submitter. Criteria: Invitae Variant Classification Sherloc (09022015). Collection method: clinical testing. Allele origin: germline.
Comment: This sequence change replaces arginine, which is basic and polar, with cysteine, which is neutral and slightly polar, at codon 853 of the NRXN1 protein (p.Arg853Cys). This variant is present in population databases (rs201150987, gnomAD 0.02%). This missense change has been observed in individual(s) with clinical features of neurodevelopmental disorders (PMID: 21424692, 25533962, 33004838). This variant is also known as R813C and 2:50733693 G/A. ClinVar contains an entry for this variant (Variation ID: 539874). An algorithm developed to predict the effect of missense changes on protein structure and function (PolyPhen-2) suggests that this variant is likely to be disruptive. Experimental studies have shown that this missense change does not substantially affect NRXN1 function (PMID: 21424692). In summary, the available evidence is currently insufficient to determine the role of this variant in disease. Therefore, it has been classified as a Variant of Uncertain Significance.

Mayo Clinic Laboratories, Mayo Clinic
Classification: Uncertain significance. Last evaluated: 2024-01-26. Review status: criteria provided, single submitter. Criteria: ACMG Guidelines, 2015. Collection method: clinical testing. Allele origin: germline. Observed: 1 variant allele.
Comment: PP3

PreventionGenetics, part of Exact Sciences
Classification: Uncertain significance for NRXN1-related condition. Last evaluated: 2023-05-12. Review status: criteria provided, single submitter. Criteria: ACMG Guidelines, 2015. Collection method: clinical testing. Allele origin: germline.
Comment: The NRXN1 c.2557C>T variant is predicted to result in the amino acid substitution p.Arg853Cys. Using an alternate transcript (NM_004801), this variant is also referred to in the literature as c.2437C>T (p.Arg813Cys aka R813C). This variant was reported in an individual with nonsyndromic intellectual disability (Supplementary Table 1, Gauthier et al. 2011. PubMed ID: 21424692). This variant was also identified in a large-scaler study analyzing risk genes for neurodevelopmental disorders, however limited data was provided (Supplementary Dataset 5, Wang et al. 2020. PubMed ID: 33004838). This variant was also identified in a Deciphering Developmental Disorders Study analyzing individuals with severe, undiagnosed, developmental disorders, however the variant was paternally inherited and the patient also carried a maternally inherited GLI2 variant (Supplementary Table 4, Deciphering Developmental Disorders Study. 2014. PubMed ID: 25533962). Of note, a functional study showed that this variant had similar function to that of controls (Gauthier et al. 2011. PubMed ID: 21424692). This variant is reported in 0.016% of alleles in individuals of European (Non-Finnish) descent in gnomAD. At this time, the clinical significance of this variant is uncertain due to the absence of conclusive functional and genetic evidence.

Revvity Omics, Revvity
Classification: Uncertain significance for Pitt-Hopkins-like syndrome 2. Last evaluated: 2021-12-21. Review status: criteria provided, single submitter. Criteria: ACMG Guidelines, 2015. Collection method: clinical testing. Allele origin: germline.

GeneDx
Classification: Likely benign. Last evaluated: 2021-05-04. Review status: criteria provided, single submitter. Criteria: GeneDx Variant Classification Process June 2021. Collection method: clinical testing. Allele origin: germline. Affected: yes.
Comment: This variant is associated with the following publications: (PMID: 21424692)

Ambry Genetics
Classification: Uncertain significance for Inborn genetic diseases. Last evaluated: 2020-11-04. Review status: criteria provided, single submitter. Criteria: Ambry Variant Classification Scheme 2023. Collection method: clinical testing. Allele origin: germline.
Comment: The c.2557C>T (p.R853C) alteration is located in exon 14 (coding exon 13) of the NRXN1 gene. This alteration results from a C to T substitution at nucleotide position 2557, causing the arginine (R) at amino acid position 853 to be replaced by a cysteine (C). Based on data from the Genome Aggregation Database (gnomAD) database, the NRXN1 c.2557C>T alteration was observed in 0.01% (22/279786) of total alleles studied, with a frequency of 0.02% (21/127956) in the European (non-Finnish) subpopulation. This alteration has been reported heterozygous as c.2437C>T (p.R813C) once from a cohort of patients with nonsyndromic intellectual disability. Inheritance was not determined. This alteration was also reported heterozygous in a patient with global developmental delay, hypotonia, toe syndactyly, micrognathia, and dysmorphic features as well as in the patient's father who had delay, hearing abnormalities, and learning difficulties. However, the proband also had a 1.18 Mb duplication of unknown significance (Deciphering Developmental Disorders Study, 2015; Gauthier, 2011). This amino acid position is highly conserved in available vertebrate species. Based on insufficient or conflicting evidence, the clinical significance of this alteration remains unclear.

New York Genome Center
Classification: Uncertain significance for Pitt-Hopkins-like syndrome 2. Last evaluated: 2020-06-01. Review status: criteria provided, single submitter. Criteria: NYGC Assertion Criteria 2020. Collection method: clinical testing. Allele origin: inherited. Observed: 1 heterozygote. Study: CSER-NYCKidSeq.

Literature cited by the submitters: PubMed 21424692 (cited by 3 submitters); PubMed 25533962 (cited by 3 submitters); PubMed 33004838 (cited by Labcorp Genetics (formerly Invitae), Labcorp and Mayo Clinic Laboratories, Mayo Clinic).

NM_001330078.2(NRXN1):c.2437C>T (p.Arg813Cys)

Gene: NRXN1 (neurexin 1; minus strand). Cytogenetic location: 2p16.3.
Variant type: single nucleotide variant.
Coding change: c.2437C>T on transcript NM_001330078.2 (MANE Select); coding-DNA position 2437, C replaced by T.
Protein change: p.Arg813Cys; replaces arginine 813 with cysteine.
Molecular consequence: missense variant.
Genome position (GRCh38, 1-based): chr2:50,506,555, G>A on the plus strand (C>T on the coding strand, the complement: NRXN1 is on the minus strand). VCF-style: chr2-50506555-G-A. GRCh37 (hg19) VCF-style: chr2-50733693-G-A.
Other names: p.Arg853Cys; c.2557C>T (NM_001135659.2); c.2557C>T, p.Arg853Cys (NM_001135659.3); c.2413C>T, p.Arg805Cys (NM_001330077.2, NM_001330082.2); c.2371C>T, p.Arg791Cys (NM_001330083.2, NM_001330084.2); c.2410C>T, p.Arg804Cys (NM_001330085.2); c.2437C>T, p.Arg813Cys (NM_001330086.2, NM_004801.6); c.2326C>T, p.Arg776Cys (NM_001330087.2, NM_001330096.2); and 4 more; short protein forms R853C, R786C, R804C, R809C, R813C, R812C, R776C, R796C.
Identifiers: ClinVar variation 539874 (VCV000539874.16), dbSNP rs201150987, ClinGen allele CA1654821.